The following is an entry in ClinVar:

NM_030958.3(SLCO5A1):c.2044A>T (p.Arg682Ter)

Gene: SLCO5A1 (solute carrier organic anion transporter family member 5A1; minus strand). Cytogenetic location: 8q13.3.
Variant type: single nucleotide variant.
Coding change: c.2044A>T on transcript NM_030958.3 (MANE Select); coding-DNA position 2044, A replaced by T.
Protein change: p.Arg682Ter; replaces arginine 682 with a stop codon.
Molecular consequence: nonsense. On other transcripts: intron variant (1).
Genome position (GRCh38, 1-based): chr8:69,676,654, T>A on the plus strand (A>T on the coding strand, the complement: SLCO5A1 is on the minus strand). VCF-style: chr8-69676654-T-A. GRCh37 (hg19) VCF-style: chr8-70588889-T-A.
Other names: c.1879A>T, p.Arg627Ter (NM_001146009.1); c.2024+2724A>T (NM_001146008.2); short protein forms R627*, R682*.
Identifiers: ClinVar variation 4760933 (VCV004760933.1).

ClinVar aggregate classification (germline): Uncertain significance (1 of 4 stars; one submission).

gnomAD v4.1: 1 of 1,612,130 alleles (0.000062%); highest among the groups gnomAD compares: Non-Finnish European, 0.000085%; no homozygotes.

Submission:

Labcorp Genetics (formerly Invitae), Labcorp
Classification: Uncertain significance. Last evaluated: 2025-06-01. Review status: criteria provided, single submitter. Criteria: Invitae Variant Classification Sherloc (09022015). Collection method: clinical testing. Allele origin: germline.
Comment: This sequence change creates a premature translational stop signal (p.Arg682*) in the SLCO5A1 gene. It is expected to result in an absent or disrupted protein product. However, the current clinical and genetic evidence is not sufficient to establish whether loss-of-function variants in SLCO5A1 cause disease. This variant is not present in population databases (gnomAD no frequency). This variant has not been reported in the literature in individuals affected with SLCO5A1-related conditions. In summary, the available evidence is currently insufficient to determine the role of this variant in disease. Therefore, it has been classified as a Variant of Uncertain Significance.